The following is an entry in ClinVar:

NM_001004334.4(GPR179):c.161A>C (p.Glu54Ala)

Gene: GPR179 (G protein-coupled receptor 179; minus strand). Cytogenetic location: 17q12.
Variant type: single nucleotide variant.
Coding change: c.161A>C on transcript NM_001004334.4 (MANE Select); coding-DNA position 161, A replaced by C.
Protein change: p.Glu54Ala; replaces glutamic acid 54 with alanine.
Molecular consequence: missense variant.
Genome position (GRCh38, 1-based): chr17:38,343,629, T>G on the plus strand (A>C on the coding strand, the complement: GPR179 is on the minus strand). VCF-style: chr17-38343629-T-G. GRCh37 (hg19) VCF-style: chr17-36499512-T-G.
Other names: short protein forms E54A.
Identifiers: ClinVar variation 2089153 (VCV002089153.1), dbSNP rs751890256, ClinGen allele CA290111913.

ClinVar aggregate classification (germline): Uncertain significance (1 of 4 stars; one submission).

Allele frequency attached by ClinVar (database versions not stated): gnomAD exomes below 0.00001; ExAC 0.00001; TOPMed 0.00002.

Submission:

Labcorp Genetics (formerly Invitae), Labcorp
Classification: Uncertain significance. Last evaluated: 2022-02-17. Review status: criteria provided, single submitter. Criteria: Invitae Variant Classification Sherloc (09022015). Collection method: clinical testing. Allele origin: germline.
Comment: This sequence change replaces glutamic acid, which is acidic and polar, with alanine, which is neutral and non-polar, at codon 54 of the GPR179 protein (p.Glu54Ala). This variant is present in population databases (rs751890256, gnomAD 0.006%). This variant has not been reported in the literature in individuals affected with GPR179-related conditions. Algorithms developed to predict the effect of missense changes on protein structure and function are either unavailable or do not agree on the potential impact of this missense change (SIFT: "Deleterious"; PolyPhen-2: "Benign"; Align-GVGD: "Class C0"). In summary, the available evidence is currently insufficient to determine the role of this variant in disease. Therefore, it has been classified as a Variant of Uncertain Significance.